The following is an entry in ClinVar:

NM_032043.3(BRIP1):c.857C>G (p.Pro286Arg)

Gene: BRIP1 (BRCA1 interacting DNA helicase 1; minus strand). Cytogenetic location: 17q23.2.
Variant type: single nucleotide variant.
Coding change: c.857C>G on transcript NM_032043.3 (MANE Select); coding-DNA position 857, C replaced by G.
Protein change: p.Pro286Arg; replaces proline 286 with arginine.
Molecular consequence: missense variant.
Genome position (GRCh38, 1-based): chr17:61,808,528, G>C on the plus strand (C>G on the coding strand, the complement: BRIP1 is on the minus strand). VCF-style: chr17-61808528-G-C. GRCh37 (hg19) VCF-style: chr17-59885889-G-C.
Other names: short protein forms P286R.
Identifiers: ClinVar variation 1003265 (VCV001003265.10), dbSNP rs2078108519, ClinGen allele CA400484767.

ClinVar aggregate classification (germline): Uncertain significance (1 of 4 stars; one submission).

Conditions:
Familial cancer of breast. Also called: hereditary breast carcinoma; BREAST CANCER, FAMILIAL; Hereditary breast cancer. Identifiers: Orphanet 227535, MedGen C0346153, MONDO:0016419, OMIM 114480. Disease mechanism: loss of function.
Fanconi anemia complementation group J. Also called: BRIP1-Related Fanconi Anemia. Identifiers: Orphanet 84, MedGen C1836860, MONDO:0012187, OMIM 609054.

Submission:

Labcorp Genetics (formerly Invitae), Labcorp
Classification: Uncertain significance for Familial cancer of breast; Fanconi anemia complementation group J. Last evaluated: 2020-01-17. Review status: criteria provided, single submitter. Criteria: Invitae Variant Classification Sherloc (09022015). Collection method: clinical testing. Allele origin: germline.
Comment: Algorithms developed to predict the effect of sequence changes on RNA splicing suggest that this variant may create or strengthen a splice site, but this prediction has not been confirmed by published transcriptional studies. This sequence change replaces proline with arginine at codon 286 of the BRIP1 protein (p.Pro286Arg). The proline residue is highly conserved and there is a moderate physicochemical difference between proline and arginine. This variant is not present in population databases (ExAC no frequency). This variant has not been reported in the literature in individuals with BRIP1-related conditions. Algorithms developed to predict the effect of missense changes on protein structure and function (SIFT, PolyPhen-2, Align-GVGD) all suggest that this variant is likely to be disruptive, but these predictions have not been confirmed by published functional studies and their clinical significance is uncertain. In summary, the available evidence is currently insufficient to determine the role of this variant in disease. Therefore, it has been classified as a Variant of Uncertain Significance.